The following is an entry in ClinVar:

NM_000030.3(AGXT):c.1048G>A (p.Gly350Ser)

Gene: AGXT (alanine--glyoxylate aminotransferase; plus strand). Cytogenetic location: 2q37.3.
Variant type: single nucleotide variant.
Coding change: c.1048G>A on transcript NM_000030.3 (MANE Select); coding-DNA position 1048, G replaced by A.
Protein change: p.Gly350Ser; replaces glycine 350 with serine.
Molecular consequence: missense variant.
Genome position (GRCh38, 1-based): chr2:240,878,127, G>A. VCF-style: chr2-240878127-G-A. GRCh37 (hg19) VCF-style: chr2-241817544-G-A.
Other names: c.1048G>A (NM_000030.2); short protein forms G350S.
Identifiers: ClinVar variation 1520216 (VCV001520216.5), dbSNP rs199610919, ClinGen allele CA2209387.

ClinVar aggregate classification (germline): Conflicting classifications of pathogenicity. Review status: criteria provided, conflicting classifications (1 of 4 stars). 3 submissions from 3 submitters: Likely pathogenic (1); Uncertain significance (2). Last evaluated 2025-03-10.

Conditions:
Primary hyperoxaluria, type I (HP1). Also called: Primary hyperoxaluria type 1; GLYCOLIC ACIDURIA; HEPATIC AGT DEFICIENCY; OXALOSIS I. Identifiers: Orphanet 416, Orphanet 93598, MedGen C0268164, MONDO:0009823, OMIM 259900. Disease mechanism: loss of function.

Allele frequency attached by ClinVar (database versions not stated): gnomAD exomes 0.00004 and 0.00008; ExAC 0.00006; ESP Exome Variant Server 0.00031; gnomAD 0.00043 and 0.00046; TOPMed 0.00050; 1000 Genomes Project 0.00060; 1000 Genomes Project 30x 0.00094.
gnomAD v4.1: 120 of 1,613,200 alleles (0.0074%); highest among the groups gnomAD compares: African/African-American, 0.16%; no homozygotes.

Submissions (3):

Women's Health and Genetics/Laboratory Corporation of America, LabCorp
Classification: Uncertain significance. Last evaluated: 2025-03-10. Review status: criteria provided, single submitter. Criteria: LabCorp Variant Classification Summary - May 2015. Collection method: clinical testing. Allele origin: germline.
Comment: Variant summary: AGXT c.1048G>A (p.Gly350Ser) results in a non-conservative amino acid change located in the Aminotransferase class V domain (IPR000192) of the encoded protein sequence. Four of five in-silico tools predict a damaging effect of the variant on protein function. Several computational tools predict a significant impact on normal splicing: Four predict the variant no significant impact on splicing. One predict the variant strengthens a cryptic 5' donor site. However, these predictions have yet to be confirmed by functional studies. The variant allele was found at a frequency of 8e-05 in 250450 control chromosomes. This frequency is not significantly higher than estimated for a pathogenic variant in AGXT causing Primary Hyperoxaluria Type 1 (8e-05 vs 0.0024), allowing no conclusion about variant significance. To our knowledge, no occurrence of c.1048G>A in individuals affected with Primary Hyperoxaluria Type 1 and no experimental evidence demonstrating its impact on protein function have been reported. ClinVar contains an entry for this variant (Variation ID: 1520216). Based on the evidence outlined above, the variant was classified as uncertain significance.

Fulgent Genetics
Classification: Uncertain significance for Primary hyperoxaluria, type I. Last evaluated: 2024-05-24. Review status: criteria provided, single submitter. Criteria: ACMG Guidelines, 2015. Collection method: clinical testing. Allele origin: germline.

Labcorp Genetics (formerly Invitae), Labcorp
Classification: Likely pathogenic. Last evaluated: 2022-10-06. Review status: criteria provided, single submitter. Criteria: Invitae Variant Classification Sherloc (09022015). Collection method: clinical testing. Allele origin: germline.
Comment: This sequence change replaces glycine, which is neutral and non-polar, with serine, which is neutral and polar, at codon 350 of the AGXT protein (p.Gly350Ser). This variant is present in population databases (rs199610919, gnomAD 0.2%). This variant has not been reported in the literature in individuals affected with AGXT-related conditions. ClinVar contains an entry for this variant (Variation ID: 1520216). Advanced modeling of protein sequence and biophysical properties (such as structural, functional, and spatial information, amino acid conservation, physicochemical variation, residue mobility, and thermodynamic stability) has been performed at Invitae for this missense variant, however the output from this modeling did not meet the statistical confidence thresholds required to predict the impact of this variant on AGXT protein function. Algorithms developed to predict the effect of sequence changes on RNA splicing suggest that this variant may create or strengthen a splice site. This variant disrupts the p.Gly350 amino acid residue in AGXT. Other variant(s) that disrupt this residue have been determined to be pathogenic (PMID: 9604803, 23551880, 30341509). This suggests that this residue is clinically significant, and that variants that disrupt this residue are likely to be disease-causing. In summary, the currently available evidence indicates that the variant is pathogenic, but additional data are needed to prove that conclusively. Therefore, this variant has been classified as Likely Pathogenic.

Literature cited by the submitters: PubMed 22018727 (cited by Women's Health and Genetics/Laboratory Corporation of America, LabCorp); PubMed 9604803 (cited by Labcorp Genetics (formerly Invitae), Labcorp); PubMed 23551880 (cited by Labcorp Genetics (formerly Invitae), Labcorp); PubMed 30341509 (cited by Labcorp Genetics (formerly Invitae), Labcorp).